The following is an entry in ClinVar:

NM_031885.5(BBS2):c.1062C>G (p.Asn354Lys)

Gene: BBS2 (Bardet-Biedl syndrome 2; minus strand). Cytogenetic location: 16q13.
Variant type: single nucleotide variant.
Coding change: c.1062C>G on transcript NM_031885.5 (MANE Select); coding-DNA position 1062, C replaced by G.
Protein change: p.Asn354Lys; replaces asparagine 354 with lysine.
Molecular consequence: missense variant. On other transcripts: non-coding transcript variant (5).
Genome position (GRCh38, 1-based): chr16:56,502,335, G>C on the plus strand (C>G on the coding strand, the complement: BBS2 is on the minus strand). VCF-style: chr16-56502335-G-C. GRCh37 (hg19) VCF-style: chr16-56536247-G-C.
Other names: c.1062C>G, p.Asn354Lys (NM_001377456.1); short protein forms N354K.
Identifiers: ClinVar variation 625448 (VCV000625448.8), dbSNP rs1567576202, ClinGen allele CA395980433.

ClinVar aggregate classification (germline): Pathogenic/Likely pathogenic. Review status: criteria provided, multiple submitters, no conflicts (2 of 4 stars). 2 submissions from 2 submitters: Pathogenic (1); Likely pathogenic (1). Last evaluated 2021-09-04.

Conditions:
Bardet-Biedl syndrome (BBS). Identifiers: Orphanet 110, MedGen C0752166, MONDO:0015229.

Allele frequency attached by ClinVar (database versions not stated): gnomAD exomes below 0.00001.
gnomAD v4.1: 1 of 1,614,158 alleles (0.000062%); highest among the groups gnomAD compares: Non-Finnish European, 0.000085%; no homozygotes.

Submissions (2):

Labcorp Genetics (formerly Invitae), Labcorp
Classification: Likely pathogenic for Bardet-Biedl syndrome. Last evaluated: 2021-09-04. Review status: criteria provided, single submitter. Criteria: Invitae Variant Classification Sherloc (09022015). Collection method: clinical testing. Allele origin: germline.
Comment: This missense change has been observed in individual(s) with Bardet-Biedl syndrome (PMID: 31196119). In at least one individual the data is consistent with the variant being in trans (on the opposite chromosome) from a pathogenic variant. This sequence change replaces asparagine with lysine at codon 354 of the BBS2 protein (p.Asn354Lys). The asparagine residue is highly conserved and there is a moderate physicochemical difference between asparagine and lysine. This variant is not present in population databases (ExAC no frequency). ClinVar contains an entry for this variant (Variation ID: 625448). Algorithms developed to predict the effect of missense changes on protein structure and function (SIFT, PolyPhen-2, Align-GVGD) all suggest that this variant is likely to be disruptive. Algorithms developed to predict the effect of sequence changes on RNA splicing suggest that this variant may create or strengthen a splice site. In summary, the currently available evidence indicates that the variant is pathogenic, but additional data are needed to prove that conclusively. Therefore, this variant has been classified as Likely Pathogenic.

MAGI'S LAB - Medical Genetics Laboratory, MAGI GROUP
Classification: Pathogenic for Bardet-Biedl syndrome. Last evaluated: 2018-10-01. Review status: criteria provided, single submitter. Criteria: ACMG Guidelines, 2015. Collection method: clinical testing. Allele origin: germline. Affected: yes.

Literature cited by the submitters: PubMed 31196119 (cited by Labcorp Genetics (formerly Invitae), Labcorp); PubMed 11285252 (cited by MAGI'S LAB - Medical Genetics Laboratory, MAGI GROUP).